The following is an entry in ClinVar:

ClinVar aggregate classification (germline): Uncertain significance (1 of 4 stars; one submission).

Submission:

Labcorp Genetics (formerly Invitae), Labcorp
Classification: Uncertain significance. Last evaluated: 2024-10-17. Review status: criteria provided, single submitter. Criteria: Invitae Variant Classification Sherloc (09022015). Collection method: clinical testing. Allele origin: germline.
Comment: This sequence change replaces histidine, which is basic and polar, with leucine, which is neutral and non-polar, at codon 779 of the TBCK protein (p.His779Leu). This variant is not present in population databases (gnomAD no frequency). This variant has not been reported in the literature in individuals affected with TBCK-related conditions. ClinVar contains an entry for this variant (Variation ID: 2120244). An algorithm developed to predict the effect of missense changes on protein structure and function (PolyPhen-2) suggests that this variant is likely to be tolerated. In summary, the available evidence is currently insufficient to determine the role of this variant in disease. Therefore, it has been classified as a Variant of Uncertain Significance.

NM_001163435.3(TBCK):c.2336A>T (p.His779Leu)

Gene: TBCK (TBC1 domain containing kinase; minus strand). Cytogenetic location: 4q24.
Variant type: single nucleotide variant.
Coding change: c.2336A>T on transcript NM_001163435.3 (MANE Select); coding-DNA position 2336, A replaced by T.
Protein change: p.His779Leu; replaces histidine 779 with leucine.
Molecular consequence: missense variant.
Genome position (GRCh38, 1-based): chr4:106,116,278, T>A on the plus strand (A>T on the coding strand, the complement: TBCK is on the minus strand). VCF-style: chr4-106116278-T-A. GRCh37 (hg19) VCF-style: chr4-107037435-T-A.
Other names: c.2336A>T, p.His779Leu (NM_001163436.4); c.2219A>T, p.His740Leu (NM_001163437.3); c.1820A>T, p.His607Leu (NM_001290768.2); c.2147A>T, p.His716Leu (NM_033115.5); short protein forms H740L, H607L, H779L, H716L.
Identifiers: ClinVar variation 2120244 (VCV002120244.4), dbSNP rs2476094182, ClinGen allele CA357972055.